The following is an entry in ClinVar:

NM_024312.5(GNPTAB):c.1349G>A (p.Gly450Asp)

Gene: GNPTAB (N-acetylglucosamine-1-phosphate transferase subunits alpha and beta; minus strand). Cytogenetic location: 12q23.2.
Variant type: single nucleotide variant.
Coding change: c.1349G>A on transcript NM_024312.5 (MANE Select); coding-DNA position 1349, G replaced by A.
Protein change: p.Gly450Asp; replaces glycine 450 with aspartic acid.
Molecular consequence: missense variant.
Genome position (GRCh38, 1-based): chr12:101,768,096, C>T on the plus strand (G>A on the coding strand, the complement: GNPTAB is on the minus strand). VCF-style: chr12-101768096-C-T. GRCh37 (hg19) VCF-style: chr12-102161874-C-T.
Other names: short protein forms G450D.
Identifiers: ClinVar variation 4794267 (VCV004794267.1).

ClinVar aggregate classification (germline): Uncertain significance (1 of 4 stars; one submission).

Conditions:
Mucolipidosis type II. Also called: ML II ALPHA/BETA; Mucolipidosis 2; ML 2; Inclusion cell disease; Leroy Disease; N-acetylglucosamine 1phosphotransferase deficiency. Identifiers: Orphanet 576, MedGen C2673377, MONDO:0009650, OMIM 252500.
Pseudo-Hurler polydystrophy. Also called: ML III; ML III ALPHA/BETA; MUCOLIPIDOSIS IIIA; Type III Mucolipidosis; ML IIIA; Mucolipidosis III Alpha/Beta. Identifiers: Orphanet 423461, Orphanet 577, MedGen C0033788, MONDO:0018931, OMIM 252600.

Submission:

Labcorp Genetics (formerly Invitae), Labcorp
Classification: Uncertain significance for Pseudo-Hurler polydystrophy; Mucolipidosis type II. Last evaluated: 2025-08-04. Review status: criteria provided, single submitter. Criteria: Invitae Variant Classification Sherloc (09022015). Collection method: clinical testing. Allele origin: germline.
Comment: This sequence change replaces glycine, which is neutral and non-polar, with aspartic acid, which is acidic and polar, at codon 450 of the GNPTAB protein (p.Gly450Asp). This variant is not present in population databases (gnomAD no frequency). This variant has not been reported in the literature in individuals affected with GNPTAB-related conditions. Invitae Evidence Modeling of protein sequence and biophysical properties (such as structural, functional, and spatial information, amino acid conservation, physicochemical variation, residue mobility, and thermodynamic stability) indicates that this missense variant is expected to disrupt GNPTAB protein function with a positive predictive value of 80%. In summary, the available evidence is currently insufficient to determine the role of this variant in disease. Therefore, it has been classified as a Variant of Uncertain Significance.